The following is an entry in ClinVar:

NM_182914.3(SYNE2):c.4471G>A (p.Ala1491Thr)

Gene: SYNE2 (spectrin repeat containing nuclear envelope protein 2; plus strand). Cytogenetic location: 14q23.2.
Variant type: single nucleotide variant.
Coding change: c.4471G>A on transcript NM_182914.3 (MANE Select); coding-DNA position 4471, G replaced by A.
Protein change: p.Ala1491Thr; replaces alanine 1491 with threonine.
Molecular consequence: missense variant.
Genome position (GRCh38, 1-based): chr14:64,007,116, G>A. VCF-style: chr14-64007116-G-A. GRCh37 (hg19) VCF-style: chr14-64473834-G-A.
Other names: c.4471G>A, p.Ala1491Thr (NM_015180.6); short protein forms A1491T.
Identifiers: ClinVar variation 2004482 (VCV002004482.4), dbSNP rs2551031860, ClinGen allele CA389935017.

ClinVar aggregate classification (germline): Uncertain significance (1 of 4 stars; one submission).

Conditions:
Emery-Dreifuss muscular dystrophy 5, autosomal dominant (EDMD5). Also called: EMERY-DREIFUSS MUSCULAR DYSTROPHY 5. Identifiers: Orphanet 261, MedGen C2751805, MONDO:0013072, OMIM 612999.

Submission:

Labcorp Genetics (formerly Invitae), Labcorp
Classification: Uncertain significance for Emery-Dreifuss muscular dystrophy 5, autosomal dominant. Last evaluated: 2022-06-10. Review status: criteria provided, single submitter. Criteria: Invitae Variant Classification Sherloc (09022015). Collection method: clinical testing. Allele origin: germline.
Comment: In summary, the available evidence is currently insufficient to determine the role of this variant in disease. Therefore, it has been classified as a Variant of Uncertain Significance. Algorithms developed to predict the effect of missense changes on protein structure and function are either unavailable or do not agree on the potential impact of this missense change (SIFT: "Tolerated"; PolyPhen-2: "Possibly Damaging"; Align-GVGD: "Class C0"). This variant has not been reported in the literature in individuals affected with SYNE2-related conditions. This variant is not present in population databases (gnomAD no frequency). This sequence change replaces alanine, which is neutral and non-polar, with threonine, which is neutral and polar, at codon 1491 of the SYNE2 protein (p.Ala1491Thr).